The following is an entry in ClinVar:

ClinVar aggregate classification (germline): Uncertain significance (1 of 4 stars; one submission).

Conditions:
Arginine:glycine amidinotransferase deficiency (CCDS3). Also called: AGAT deficiency; Creatine deficiency syndrome due to AGAT deficiency; GATM deficiency; L-Arginine:Glycine Amidinotransferase (AGAT) Deficiency; L-Arginine:Glycine Amidinotransferase Deficiency; Cerebral creatine deficiency syndrome 3. Identifiers: Orphanet 35704, MedGen C2675179, MONDO:0012996, OMIM 612718.

Allele frequency attached by ClinVar (database versions not stated): gnomAD exomes below 0.00001; ExAC 0.00001; gnomAD 0.00001; 1000 Genomes Project 0.00020; 1000 Genomes Project 30x 0.00031.
gnomAD v4.1: 7 of 1,613,830 alleles (0.00043%); highest among the groups gnomAD compares: African/African-American, 0.0013%; no homozygotes.

Submission:

Labcorp Genetics (formerly Invitae), Labcorp
Classification: Uncertain significance for Arginine:glycine amidinotransferase deficiency. Last evaluated: 2024-07-17. Review status: criteria provided, single submitter. Criteria: Invitae Variant Classification Sherloc (09022015). Collection method: clinical testing. Allele origin: germline.
Comment: This sequence change replaces asparagine, which is neutral and polar, with serine, which is neutral and polar, at codon 399 of the GATM protein (p.Asn399Ser). This variant is present in population databases (rs566966378, gnomAD 0.007%). This variant has not been reported in the literature in individuals affected with GATM-related conditions. Advanced modeling of protein sequence and biophysical properties (such as structural, functional, and spatial information, amino acid conservation, physicochemical variation, residue mobility, and thermodynamic stability) performed at Invitae indicates that this missense variant is not expected to disrupt GATM protein function with a negative predictive value of 80%. In summary, the available evidence is currently insufficient to determine the role of this variant in disease. Therefore, it has been classified as a Variant of Uncertain Significance.

NM_001482.3(GATM):c.1196A>G (p.Asn399Ser)

Gene: GATM (glycine amidinotransferase; minus strand). Cytogenetic location: 15q21.1.
Variant type: single nucleotide variant.
Coding change: c.1196A>G on transcript NM_001482.3 (MANE Select); coding-DNA position 1196, A replaced by G.
Protein change: p.Asn399Ser; replaces asparagine 399 with serine.
Molecular consequence: missense variant.
Genome position (GRCh38, 1-based): chr15:45,362,185, T>C on the plus strand (A>G on the coding strand, the complement: GATM is on the minus strand). VCF-style: chr15-45362185-T-C. GRCh37 (hg19) VCF-style: chr15-45654383-T-C.
Other names: c.809A>G, p.Asn270Ser (NM_001321015.2); short protein forms N270S, N399S.
Identifiers: ClinVar variation 2919835 (VCV002919835.3), dbSNP rs566966378, ClinGen allele CA7542758.